The following is an entry in ClinVar:

ClinVar aggregate classification (germline): Uncertain significance. Review status: criteria provided, multiple submitters, no conflicts (2 of 4 stars). 3 submissions from 3 submitters: Uncertain significance (3). Last evaluated 2025-01-28.

Conditions:
Cardiovascular phenotype. Identifiers: MedGen CN230736.
Cardiomyopathy (CMYO). Also called: Cardiomyopathies. Identifiers: Orphanet 167848, MedGen C0878544, MONDO:0004994, HP:0001638. Inheritance: Various modes of inheritance.
Arrhythmogenic right ventricular cardiomyopathy (ARVD). Also called: Arrhythmogenic cardiomyopathy; Cardiomyopathy, ARVC; Arrhythmogenic right ventricular dysplasia; Arrhythmogenic Right Ventricular Cardiomyopathy (ARVC). Identifiers: Orphanet 247, MedGen C0349788, MeSH D019571, MONDO:0016587. Disease mechanism: loss of function. Inheritance: Various modes of inheritance.

Allele frequency attached by ClinVar (database versions not stated): gnomAD exomes below 0.00001.

Submissions (3):

Ambry Genetics
Classification: Uncertain significance for Cardiovascular phenotype. Last evaluated: 2025-01-28. Review status: criteria provided, single submitter. Criteria: Ambry Variant Classification Scheme 2023. Collection method: clinical testing. Allele origin: germline.
Comment: The p.A899V variant (also known as c.2696C>T), located in coding exon 15 of the DSG2 gene, results from a C to T substitution at nucleotide position 2696. The alanine at codon 899 is replaced by valine, an amino acid with similar properties. This amino acid position is conserved. In addition, this alteration is predicted to be tolerated by in silico analysis. Since supporting evidence is limited at this time, the clinical significance of this alteration remains unclear.

Color Diagnostics, LLC DBA Color Health
Classification: Uncertain significance for Cardiomyopathy. Last evaluated: 2023-12-05. Review status: criteria provided, single submitter. Criteria: ACMG Guidelines, 2015. Collection method: clinical testing. Allele origin: germline.
Comment: Variant of Uncertain Significance due to insufficient evidence: This missense variant is located in the cytoplasmic desmoglein repeat 1 of the DSG2 protein. Computational prediction tools and conservation analyses suggest that this variant may not impact the protein function. Computational splicing tools suggest that this variant may not impact RNA splicing. To our knowledge, functional assays have not been performed for this variant nor has this variant been reported in individuals affected with cardiovascular disorders in the literature. This variant has been identified in 1/245644 chromosomes in the general population by the Genome Aggregation Database (gnomAD). Available evidence is insufficient to determine the pathogenicity of this variant conclusively.

All of Us Research Program, National Institutes of Health
Classification: Uncertain significance for Arrhythmogenic right ventricular cardiomyopathy. Last evaluated: 2023-11-28. Review status: criteria provided, single submitter. Criteria: ACMG Guidelines, 2015. Collection method: clinical testing. Allele origin: germline. Inheritance: Autosomal dominant inheritance. Observed: 1 variant allele, 1 heterozygote.
Comment: Variant of Uncertain Significance due to insufficient evidence: This missense variant is located in the cytoplasmic desmoglein repeat 1 of the DSG2 protein. Computational prediction tools and conservation analyses suggest that this variant may not impact the protein function. Computational splicing tools suggest that this variant may not impact RNA splicing. To our knowledge, functional assays have not been performed for this variant nor has this variant been reported in individuals affected with cardiovascular disorders in the literature. This variant has been identified in 1/245644 chromosomes in the general population by the Genome Aggregation Database (gnomAD). Available evidence is insufficient to determine the pathogenicity of this variant conclusively.

This study involves interpretation of variants in research participants for the purpose of population health screening. Participant phenotype was not available at the time of variant classification. Additional details can be found in publication PMID: 35346344, PMCID: PMC8962531

NM_001943.5(DSG2):c.2696C>T (p.Ala899Val)

Genes: DSG2 (desmoglein 2; plus strand), DSG2-AS1 (DSG2 antisense RNA 1; minus strand). Cytogenetic location: 18q12.1.
Variant type: single nucleotide variant.
Coding change: c.2696C>T on transcript NM_001943.5 (MANE Select); coding-DNA position 2696, C replaced by T.
Protein change: p.Ala899Val; replaces alanine 899 with valine.
Molecular consequence: missense variant.
Genome position (GRCh38, 1-based): chr18:31,546,082, C>T. VCF-style: chr18-31546082-C-T. GRCh37 (hg19) VCF-style: chr18-29126045-C-T.
Other names: short protein forms A899V.
Identifiers: ClinVar variation 629757 (VCV000629757.8), dbSNP rs1446243136, ClinGen allele CA402146192.